The following is an entry in ClinVar:

NM_020964.3(EPG5):c.4195_4196delinsTT (p.Glu1399Leu)

Gene: EPG5 (ectopic P-granules 5 autophagy tethering factor; minus strand). Cytogenetic location: 18q21.1.
Variant type: Indel.
Coding change: c.4195_4196delinsTT on transcript NM_020964.3 (MANE Select); coding-DNA positions 4195 to 4196, GA replaced by TT.
Protein change: p.Glu1399Leu; replaces glutamic acid 1399 with leucine.
Molecular consequence: missense variant.
Genome position (GRCh38, 1-based): chr18:45,910,530-45,910,531, TC replaced by AA on the plus strand (GA replaced by TT on the coding strand, the reverse complement: EPG5 is on the minus strand). VCF-style: chr18-45910530-TC-AA. GRCh37 (hg19) VCF-style: chr18-43490495-TC-AA.
Other names: short protein forms E1399L.
Identifiers: ClinVar variation 1429287 (VCV001429287.7), dbSNP rs2145665111, ClinGen allele CA2573155339.

ClinVar aggregate classification (germline): Uncertain significance (1 of 4 stars; one submission).

Conditions:
Vici syndrome (VICIS). Identifiers: Orphanet 1493, MedGen C1855772, MONDO:0009452, OMIM 242840.

Submission:

Labcorp Genetics (formerly Invitae), Labcorp
Classification: Uncertain significance for Vici syndrome. Last evaluated: 2021-10-25. Review status: criteria provided, single submitter. Criteria: Invitae Variant Classification Sherloc (09022015). Collection method: clinical testing. Allele origin: germline.
Comment: In summary, the available evidence is currently insufficient to determine the role of this variant in disease. Therefore, it has been classified as a Variant of Uncertain Significance. Algorithms developed to predict the effect of missense changes on protein structure and function are either unavailable or do not agree on the potential impact of this missense change (SIFT: "Not Available"; PolyPhen-2: "Benign"; Align-GVGD: "Not Available"). This variant has not been reported in the literature in individuals affected with EPG5-related conditions. The frequency data for this variant in the population databases is not available, as this variant may be reported as separate entries in the ExAC database. This variant, c.4195_4196delinsTT, is a complex sequence change that results in the deletion of 1 and insertion of 1 amino acid(s) in the EPG5 protein (p.Glu1399Leu).